The following is an entry in ClinVar:

ClinVar aggregate classification (germline): Conflicting classifications of pathogenicity. Review status: criteria provided, conflicting classifications (1 of 4 stars). 2 submissions from 2 submitters: Likely pathogenic (1); Uncertain significance (1). Last evaluated 2021-08-25.

Conditions:
Nemaline myopathy 8 (NEM8). Also called: Nemaline myopathy 8, autosomal recessive. Identifiers: Orphanet 171430, MedGen C3809209, MONDO:0014138, OMIM 615348.

Allele frequency attached by ClinVar (database versions not stated): gnomAD 0.00001; TOPMed 0.00002.
gnomAD v4.1: 36 of 1,613,046 alleles (0.0022%); highest among the groups gnomAD compares: Non-Finnish European, 0.003%; no homozygotes.

Submissions (2):

Labcorp Genetics (formerly Invitae), Labcorp
Classification: Uncertain significance for Nemaline myopathy 8. Last evaluated: 2021-08-25. Review status: criteria provided, single submitter. Criteria: Invitae Variant Classification Sherloc (09022015). Collection method: clinical testing. Allele origin: germline.
Comment: This sequence change replaces aspartic acid with histidine at codon 34 of the KLHL40 protein (p.Asp34His). The aspartic acid residue is highly conserved and there is a moderate physicochemical difference between aspartic acid and histidine. In summary, the available evidence is currently insufficient to determine the role of this variant in disease. Therefore, it has been classified as a Variant of Uncertain Significance. Algorithms developed to predict the effect of missense changes on protein structure and function are either unavailable or do not agree on the potential impact of this missense change (SIFT: "Deleterious"; PolyPhen-2: "Probably Damaging"; Align-GVGD: "Class C0"). This variant has been observed to segregate with nemaline myopathy in a family (PMID: 23746549). This variant is present in population databases (rs778565563, ExAC 0.002%).

HudsonAlpha Institute for Biotechnology
Classification: Likely pathogenic for Nemaline myopathy 8. Last evaluated: 2019-07-01. Review status: criteria provided, single submitter. Criteria: ACMG Guidelines, 2015. Collection method: research. Allele origin: maternal. Affected: yes. Observed: 1 variant allele. Study: CSER-SouthSeq.
Comment: ACMG codes: PS4M, PM1, PM2, PP3

Literature cited by the submitters: PubMed 23746549 (cited by Labcorp Genetics (formerly Invitae), Labcorp).

NM_152393.4(KLHL40):c.100G>C (p.Asp34His)

Gene: KLHL40 (kelch like family member 40; plus strand). Cytogenetic location: 3p22.1.
Variant type: single nucleotide variant.
Coding change: c.100G>C on transcript NM_152393.4 (MANE Select); coding-DNA position 100, G replaced by C.
Protein change: p.Asp34His; replaces aspartic acid 34 with histidine.
Molecular consequence: missense variant.
Genome position (GRCh38, 1-based): chr3:42,685,718, G>C. VCF-style: chr3-42685718-G-C. GRCh37 (hg19) VCF-style: chr3-42727210-G-C.
Other names: short protein forms D34H.
Identifiers: ClinVar variation 640377 (VCV000640377.10), dbSNP rs778565563, ClinGen allele CA2336568.